The following is an entry in ClinVar:

ClinVar aggregate classification (germline): Pathogenic/Likely pathogenic. Review status: criteria provided, multiple submitters, no conflicts (2 of 4 stars). 2 submissions from 2 submitters: Pathogenic (1); Likely pathogenic (1). Last evaluated 2024-11-26.

Conditions:
COQ8A-related disorders.

Allele frequency attached by ClinVar (database versions not stated): ExAC 0.00001.

Submissions (2):

Blueprint Genetics
Classification: Likely pathogenic for COQ8A-related disorders. Last evaluated: 2024-11-26. Review status: criteria provided, single submitter. Criteria: ACMG Guidelines, 2015. Collection method: clinical testing. Allele origin: germline. Affected: yes. Observed: 1 variant allele.

Labcorp Genetics (formerly Invitae), Labcorp
Classification: Pathogenic. Last evaluated: 2024-11-22. Review status: criteria provided, single submitter. Criteria: Invitae Variant Classification Sherloc (09022015). Collection method: clinical testing. Allele origin: germline.
Comment: This sequence change creates a premature translational stop signal (p.Lys545Glufs*29) in the COQ8A gene. While this is not anticipated to result in nonsense mediated decay, it is expected to disrupt the last 103 amino acid(s) of the COQ8A protein. This variant is present in population databases (rs755058452, gnomAD 0.0009%). This variant has not been reported in the literature in individuals affected with COQ8A-related conditions. ClinVar contains an entry for this variant (Variation ID: 2792753). Experimental studies and prediction algorithms are not available or were not evaluated, and the functional significance of this variant is currently unknown. This variant disrupts a region of the COQ8A protein in which other variant(s) (p.Met555Ile) have been determined to be pathogenic (PMID: 25131622, 32337771). This suggests that this is a clinically significant region of the protein, and that variants that disrupt it are likely to be disease-causing. For these reasons, this variant has been classified as Pathogenic.

Literature cited by the submitters: PubMed 25131622 (cited by Labcorp Genetics (formerly Invitae), Labcorp); PubMed 32337771 (cited by Labcorp Genetics (formerly Invitae), Labcorp).

NM_020247.5(COQ8A):c.1632dup (p.Lys545fs)

Gene: COQ8A (coenzyme Q8A; plus strand). Cytogenetic location: 1q42.13.
Variant type: Duplication.
Coding change: c.1632dup on transcript NM_020247.5 (MANE Select); coding-DNA position 1632, one base duplicated (G; older notation c.1632dupG).
Protein change: p.Lys545fs; shifts the reading frame from lysine 545.
Molecular consequence: frameshift variant.
Genome position (GRCh38, 1-based): chr1:226,985,313, G duplicated. VCF-style (leftmost placement, unchanged base first): chr1-226985312-T-TG. GRCh37 (hg19) VCF-style: chr1-227173013-T-TG.
Other names: short protein forms K545fs.
Identifiers: ClinVar variation 2792753 (VCV002792753.4), dbSNP rs755058452, ClinGen allele CA1425593.